The following is an entry in ClinVar:

NM_001814.6(CTSC):c.290A>G (p.Asn97Ser)

Gene: CTSC (cathepsin C; minus strand). Cytogenetic location: 11q14.2.
Variant type: single nucleotide variant.
Coding change: c.290A>G on transcript NM_001814.6 (MANE Select); coding-DNA position 290, A replaced by G.
Protein change: p.Asn97Ser; replaces asparagine 97 with serine.
Molecular consequence: missense variant.
Genome position (GRCh38, 1-based): chr11:88,334,965, T>C on the plus strand (A>G on the coding strand, the complement: CTSC is on the minus strand). VCF-style: chr11-88334965-T-C. GRCh37 (hg19) VCF-style: chr11-88068133-T-C.
Other names: c.290A>G, p.Asn97Ser (NM_001114173.3, NM_148170.5); short protein forms N97S.
Identifiers: ClinVar variation 2927332 (VCV002927332.3), dbSNP rs761685439, ClinGen allele CA6220079.
Genomic context (GRCh38, chr11:88,334,965, plus strand): 5'-AAAATGTAAATCCAACTTCCAACAAAACTAACCTTAAAAAAGGCAAACCACTTGTAGTCA[T>C]TCAACACAATCTCAAAGCCTTGGTTGTAAATGATGGTGAAATGGCCAGAATTGCCAAGGT-3'
Protein context (NP_001805.4, residues 87-107): IYNQGFEIVL[Asn97Ser]DYKWFAFFKY

ClinVar aggregate classification (germline): Uncertain significance (1 of 4 stars; one submission).

Conditions:
Periodontitis, aggressive. Identifiers: MedGen C0031106, MONDO:0980757.
Papillon-Lefèvre syndrome (PALS). Also called: KERATOSIS PALMOPLANTARIS WITH PERIODONTOPATHIA; Papillon-Lefevre Disease. Identifiers: Orphanet 678, MedGen C0030360, MONDO:0009490, OMIM 245000.
Haim-Munk syndrome (HMS). Also called: COCHIN JEWISH DISORDER; KERATOSIS PALMOPLANTARIS WITH PERIODONTOPATHIA AND ONYCHOGRYPOSIS. Identifiers: Orphanet 2342, MedGen C1855627, MONDO:0009491, OMIM 245010.

Allele frequency attached by ClinVar (database versions not stated): ExAC 0.00001; gnomAD exomes below 0.00001; TOPMed below 0.00001.
gnomAD v4.1: 5 of 1,613,048 alleles (0.00031%); highest among the groups gnomAD compares: Non-Finnish European, 0.00025%; no homozygotes.

Submission:

Labcorp Genetics (formerly Invitae), Labcorp
Classification: Uncertain significance for Haim-Munk syndrome; Periodontitis, aggressive; Papillon-Lefèvre syndrome. Last evaluated: 2023-10-04. Review status: criteria provided, single submitter. Criteria: Invitae Variant Classification Sherloc (09022015). Collection method: clinical testing. Allele origin: germline.
Comment: This sequence change replaces asparagine, which is neutral and polar, with serine, which is neutral and polar, at codon 97 of the CTSC protein (p.Asn97Ser). This variant is present in population databases (rs761685439, gnomAD 0.004%). This variant has not been reported in the literature in individuals affected with CTSC-related conditions. Advanced modeling of protein sequence and biophysical properties (such as structural, functional, and spatial information, amino acid conservation, physicochemical variation, residue mobility, and thermodynamic stability) performed at Invitae indicates that this missense variant is not expected to disrupt CTSC protein function. In summary, the available evidence is currently insufficient to determine the role of this variant in disease. Therefore, it has been classified as a Variant of Uncertain Significance.